The following is an entry in ClinVar:

ClinVar aggregate classification (germline): Conflicting classifications of pathogenicity. Review status: criteria provided, conflicting classifications (1 of 4 stars). 6 submissions from 6 submitters: Uncertain significance (2); Likely benign (3). 1 of the submissions does not count toward it. Last evaluated 2026-04-13.

Conditions:
Hereditary cancer-predisposing syndrome. Also called: Tumor predisposition; Hereditary neoplastic syndrome; Neoplastic Syndromes, Hereditary; Hereditary Cancer Syndrome. Identifiers: Orphanet 140162, MedGen C0027672, MeSH D009386, MONDO:0015356.
Breast-ovarian cancer, familial, susceptibility to, 2 (BROVCA2). Also called: BRCA2 Hereditary Breast and Ovarian Cancer. Identifiers: Orphanet 145, MedGen C2675520, MONDO:0012933, OMIM 612555. Disease mechanism: loss of function.

Allele frequency attached by ClinVar (database versions not stated): gnomAD exomes 0.00001; ExAC 0.00002.
gnomAD v4.1: 3 of 1,595,566 alleles (0.00019%); highest among the groups gnomAD compares: Non-Finnish European, 0.00026%; no homozygotes.

Submissions (6):

Ambry Genetics
Classification: Likely benign for Hereditary cancer-predisposing syndrome. Last evaluated: 2026-04-13. Review status: criteria provided, single submitter. Criteria: Ambry Variant Classification Scheme 2023. Collection method: clinical testing. Allele origin: germline.

Women's Health and Genetics/Laboratory Corporation of America, LabCorp
Classification: Uncertain significance. Last evaluated: 2024-04-01. Review status: criteria provided, single submitter. Criteria: LabCorp Variant Classification Summary - May 2015. Collection method: clinical testing. Allele origin: germline.

University of Washington Department of Laboratory Medicine, University of Washington
Classification: Likely benign for Hereditary cancer-predisposing syndrome. Last evaluated: 2023-03-23. Review status: criteria provided, single submitter. Criteria: Dines et al. (Genet Med. 2020). Collection method: curation. Allele origin: germline.
Comment: Missense variant in a coldspot region where missense variants are very unlikely to be pathogenic (PMID:31911673).

BRCA2 exon 10 coldspot. Reclassification based on statistical prior probability.

Genetic Services Laboratory, University of Chicago
Classification: Uncertain significance. Last evaluated: 2021-02-23. Review status: criteria provided, single submitter. Criteria: ACMG Guidelines, 2015. Collection method: clinical testing. Allele origin: germline. Affected: no.
Comment: DNA sequence analysis of the BRCA2 gene demonstrated a sequence change, c.893C>T, in exon 10 that results in an amino acid change, p.Thr298Ile. This sequence change has been described in gnomAD with a low population frequency of 0.00083% (rs753067824). The p.Thr298Ile change affects a moderately conserved amino acid residue located in a domain of the BRCA2 protein that is known to be functional. The p.Thr298Ile substitution appears to be benign using several in-silico pathogenicity prediction tools (SIFT, PolyPhen2, Align GVGD, REVEL). This sequence change does not appear to have been previously described in patients with BRCA2-related disorders. Due to the lack of sufficient evidences, the clinical significance of the p.Thr298Ile change remains unknown at this time.

Clinical Genetics DNA and cytogenetics Diagnostics Lab, Erasmus MC, Erasmus Medical Center
Classification: Likely benign for Breast-ovarian cancer, familial, susceptibility to, 2. Last evaluated: 2017-05-31. Review status: criteria provided, single submitter. Criteria: ACGS Guidelines, 2013. Collection method: clinical testing. Allele origin: germline. Affected: yes. Study: VKGL Data-share Consensus.

Clinical Genetics Laboratory, Department of Pathology, Netherlands Cancer Institute
Classification: Likely benign. Review status: no assertion criteria provided. Collection method: clinical testing. Allele origin: germline. Affected: yes. Study: VKGL Data-share Consensus. Not counted in ClinVar's aggregate classification.

NM_000059.4(BRCA2):c.893C>T (p.Thr298Ile)

Gene: BRCA2 (BRCA2 DNA repair associated; plus strand). Cytogenetic location: 13q13.1.
Variant type: single nucleotide variant.
Coding change: c.893C>T on transcript NM_000059.4 (MANE Select); coding-DNA position 893, C replaced by T.
Protein change: p.Thr298Ile; replaces threonine 298 with isoleucine.
Molecular consequence: missense variant.
Genome position (GRCh38, 1-based): chr13:32,332,371, C>T. VCF-style: chr13-32332371-C-T. GRCh37 (hg19) VCF-style: chr13-32906508-C-T.
Other names: short protein forms T298I.
Identifiers: ClinVar variation 522288 (VCV000522288.10), dbSNP rs753067824, ClinGen allele CA6940474.